The following is an entry in ClinVar:

NM_005188.4(CBL):c.854T>C (p.Ile285Thr)

Gene: CBL (Cbl proto-oncogene; plus strand). Cytogenetic location: 11q23.3.
Variant type: single nucleotide variant.
Coding change: c.854T>C on transcript NM_005188.4 (MANE Select); coding-DNA position 854, T replaced by C.
Protein change: p.Ile285Thr; replaces isoleucine 285 with threonine.
Molecular consequence: missense variant.
Genome position (GRCh38, 1-based): chr11:119,274,938, T>C. VCF-style: chr11-119274938-T-C. GRCh37 (hg19) VCF-style: chr11-119145648-T-C.
Other names: short protein forms I285T.
Identifiers: ClinVar variation 3996012 (VCV003996012.1).

ClinVar aggregate classification (germline): Uncertain significance (1 of 4 stars; one submission).

Conditions:
Cardiovascular phenotype. Identifiers: MedGen CN230736.

Submission:

Ambry Genetics
Classification: Uncertain significance for Cardiovascular phenotype. Last evaluated: 2025-04-12. Review status: criteria provided, single submitter. Criteria: Ambry Variant Classification Scheme 2023. Collection method: clinical testing. Allele origin: germline.
Comment: The p.I285T variant (also known as c.854T>C), located in coding exon 5 of the CBL gene, results from a T to C substitution at nucleotide position 854. The isoleucine at codon 285 is replaced by threonine, an amino acid with similar properties. This amino acid position is conserved. In addition, the in silico prediction for this alteration is inconclusive. Based on the available evidence, the clinical significance of this variant remains unclear.